The following is an entry in ClinVar:

ClinVar aggregate classification (germline): Likely benign. Review status: criteria provided, multiple submitters, no conflicts (2 of 4 stars). 6 submissions from 6 submitters: Likely benign (5). 1 of the submissions does not count toward it. Last evaluated 2026-03-01.

Conditions:
GDF2-related disorder. Also called: GDF2-related condition.
Cardiovascular phenotype. Identifiers: MedGen CN230736.
Telangiectasia, hereditary hemorrhagic, type 5 (HHT5). Identifiers: Orphanet 774, MedGen C3809710, MONDO:0014217, OMIM 615506.

Allele frequency attached by ClinVar (database versions not stated): ESP Exome Variant Server 0.00008; TOPMed 0.00009.

Submissions (6):

CeGaT Center for Human Genetics Tuebingen
Classification: Likely benign. Last evaluated: 2026-03-01. Review status: criteria provided, single submitter. Criteria: CeGaT Center For Human Genetics Tuebingen Variant Classification Criteria Version 2. Collection method: clinical testing. Allele origin: germline. Affected: yes. Observed: 1 variant allele.
Comment: GDF2: BP4, BP7

Labcorp Genetics (formerly Invitae), Labcorp
Classification: Likely benign for Telangiectasia, hereditary hemorrhagic, type 5. Last evaluated: 2026-01-17. Review status: criteria provided, single submitter. Criteria: Invitae Variant Classification Sherloc (09022015). Collection method: clinical testing. Allele origin: germline.

Blueprint Genetics
Classification: Likely benign. Last evaluated: 2024-08-13. Review status: criteria provided, single submitter. Criteria: ACMG Guidelines, 2015. Collection method: clinical testing. Allele origin: germline.

Ambry Genetics
Classification: Likely benign for Cardiovascular phenotype. Last evaluated: 2016-12-08. Review status: criteria provided, single submitter. Criteria: Ambry Variant Classification Scheme 2023. Collection method: clinical testing. Allele origin: germline.

Breakthrough Genomics
Classification: Likely benign. Review status: criteria provided, single submitter. Criteria: ACMG Guidelines, 2015. Collection method: not provided. Allele origin: germline. Inheritance: Autosomal dominant inheritance. Affected: yes.

PreventionGenetics, part of Exact Sciences
Classification: Likely benign for GDF2-related condition. Last evaluated: 2020-01-22. Review status: no assertion criteria provided. Collection method: clinical testing. Allele origin: germline. Not counted in ClinVar's aggregate classification.
Comment: This variant is classified as likely benign based on ACMG/AMP sequence variant interpretation guidelines (Richards et al. 2015 PMID: 25741868, with internal and published modifications).

NM_016204.4(GDF2):c.963C>A (p.Ala321=)

Gene: GDF2 (growth differentiation factor 2; plus strand). Cytogenetic location: 10q11.22.
Variant type: single nucleotide variant.
Coding change: c.963C>A on transcript NM_016204.4 (MANE Select); coding-DNA position 963, C replaced by A.
Protein change: p.Ala321=; no amino-acid change (alanine 321 retained).
Molecular consequence: synonymous variant.
Genome position (GRCh38, 1-based): chr10:47,325,457, C>A. VCF-style: chr10-47325457-C-A. GRCh37 (hg19) VCF-style: chr10-48413905-G-T.
Other names: c.963C>A (NM_016204.3).
Identifiers: ClinVar variation 699941 (VCV000699941.19), dbSNP rs370309301, ClinGen allele CA5487977.